The following is an entry in ClinVar:

ClinVar aggregate classification (germline): Pathogenic (1 of 4 stars; one submission).

Conditions:
Alstrom syndrome (ALMS). Identifiers: Orphanet 64, MedGen C0268425, MONDO:0008763, OMIM 203800.

Submission:

Labcorp Genetics (formerly Invitae), Labcorp
Classification: Pathogenic for Alstrom syndrome. Last evaluated: 2021-11-30. Review status: criteria provided, single submitter. Criteria: Invitae Variant Classification Sherloc (09022015). Collection method: clinical testing. Allele origin: germline.
Comment: For these reasons, this variant has been classified as Pathogenic. This variant has not been reported in the literature in individuals affected with ALMS1-related conditions. This variant is not present in population databases (gnomAD no frequency). This sequence change creates a premature translational stop signal (p.Arg446Serfs*16) in the ALMS1 gene. It is expected to result in an absent or disrupted protein product. Loss-of-function variants in ALMS1 are known to be pathogenic (PMID: 17594715).

Literature cited by the submitters: PubMed 17594715.

NM_001378454.1(ALMS1):c.1335_1338del (p.Arg445fs)

Gene: ALMS1 (ALMS1 centrosome and basal body associated protein; plus strand). Cytogenetic location: 2p13.1.
Variant type: Microsatellite.
Coding change: c.1335_1338del on transcript NM_001378454.1 (MANE Select); coding-DNA positions 1335 to 1338, 4 bases deleted (AAAG; older notation c.1335_1338delAAAG).
Protein change: p.Arg445fs; shifts the reading frame from arginine 445.
Molecular consequence: frameshift variant.
Genome position (GRCh38, 1-based): chr2:73,426,550-73,426,553, AAAG deleted; deleting any 4 consecutive bases within chr2:73,426,546-73,426,553 gives the same sequence; the c. name uses the placement nearest the transcript's 3' end. VCF-style (leftmost placement, unchanged base first): chr2-73426545-CAAAG-C. GRCh37 (hg19) VCF-style: chr2-73653673-CAAAG-C.
Other names: c.1338_1341del, p.Arg446fs (NM_015120.4); short protein forms R446fs, R445fs.
Identifiers: ClinVar variation 1456894 (VCV001456894.6), dbSNP rs2103720605, ClinGen allele CA2580611656.